The following is an entry in ClinVar:

NM_005475.3(SH2B3):c.1708A>C (p.Asn570His)

Gene: SH2B3 (SH2B adaptor protein 3; plus strand). Cytogenetic location: 12q24.12.
Variant type: single nucleotide variant.
Coding change: c.1708A>C on transcript NM_005475.3 (MANE Select); coding-DNA position 1708, A replaced by C.
Protein change: p.Asn570His; replaces asparagine 570 with histidine.
Molecular consequence: missense variant.
Genome position (GRCh38, 1-based): chr12:111,448,282, A>C. VCF-style: chr12-111448282-A-C. GRCh37 (hg19) VCF-style: chr12-111886086-A-C.
Other names: c.1102A>C, p.Asn368His (NM_001291424.1); short protein forms N368H, N570H.
Identifiers: ClinVar variation 3795047 (VCV003795047.1).
Genomic context (GRCh38, chr12:111,448,282, plus strand): 5'-GCCCGGGACTCGGACTACGAAATGGACTCATCCTCCCGGAGCCACCTGCGGGCCATAGAC[A>C]ATCAGTACACACCTCTCTGACCAGTGAGGAATTCCAGGCCTCAACAGCTGCCCTTGAGGA-3'
Protein context (NP_005466.1, residues 560-575): SSRSHLRAID[Asn570His]QYTPL

ClinVar aggregate classification (germline): Uncertain significance (1 of 4 stars; one submission).

Conditions:
Inborn genetic diseases. Identifiers: MedGen C0950123, MeSH D030342.

gnomAD v4.1: 1 of 1,612,950 alleles (0.000062%); highest among the groups gnomAD compares: Admixed American, 0.0017%; no homozygotes.

Submission:

Ambry Genetics
Classification: Uncertain significance for Inborn genetic diseases. Last evaluated: 2024-12-26. Review status: criteria provided, single submitter. Criteria: Ambry Variant Classification Scheme 2023. Collection method: clinical testing. Allele origin: germline.
Comment: The p.N570H variant (also known as c.1708A>C), located in coding exon 7 of the SH2B3 gene, results from an A to C substitution at nucleotide position 1708. The asparagine at codon 570 is replaced by histidine, an amino acid with similar properties. This amino acid position is conserved. In addition, the in silico prediction for this alteration is inconclusive. Based on the available evidence, the clinical significance of this variant remains unclear.